The following is an entry in ClinVar:

ClinVar aggregate classification (germline): Benign. Review status: reviewed by expert panel (3 of 4 stars). 18 submissions from 18 submitters: Benign (1). 17 of the submissions do not count toward it. Last evaluated 2019-06-18.

Conditions:
Breast and/or ovarian cancer. Identifiers: MedGen CN221562.
Hereditary cancer-predisposing syndrome. Also called: Hereditary Cancer Syndrome; Tumor predisposition; Neoplastic Syndromes, Hereditary; Hereditary neoplastic syndrome. Identifiers: Orphanet 140162, MedGen C0027672, MeSH D009386, MONDO:0015356.
Hereditary breast ovarian cancer syndrome. Also called: Breast and ovarian cancer; BRCA1- and BRCA2-Associated Hereditary Breast and Ovarian Cancer; Hereditary breast and ovarian cancer; Hereditary breast and ovarian cancer syndrome (HBOC); Hereditary breast and ovarian cancer syndrome; Hereditary breast and/or ovarian cancer syndrome. Identifiers: Orphanet 145, MedGen C0677776, MeSH D061325, MONDO:0003582. Disease mechanism: loss of function.
Breast-ovarian cancer, familial, susceptibility to, 1 (BROVCA1). Also called: BRCA1 Hereditary Breast and Ovarian Cancer; OVARIAN CANCER, SUSCEPTIBILITY TO. Identifiers: Orphanet 145, MedGen C2676676, MONDO:0011450, OMIM 604370. Disease mechanism: loss of function.

Allele frequency attached by ClinVar (database versions not stated): gnomAD 0.00001; TOPMed 0.00001; gnomAD exomes 0.00002; ExAC 0.00003.
gnomAD v4.1: 32 of 1,613,622 alleles (0.002%); highest among the groups gnomAD compares: African/African-American, 0.0027%; no homozygotes.

Submissions 1 to 10 of 18:

Evidence-based Network for the Interpretation of Germline Mutant Alleles (ENIGMA)
Classification: Benign for Breast-ovarian cancer, familial, susceptibility to, 1. Last evaluated: 2019-06-18. Review status: reviewed by expert panel. Criteria: ENIGMA BRCA1/2 Classification Criteria (2017-06-29). Collection method: curation. Allele origin: germline.
Comment: IARC class based on posterior probability from multifactorial likelihood analysis, thresholds for class as per Plon et al. 2008 (PMID: 18951446). Class 1 based on posterior probability = 0.000574

Women's Health and Genetics/Laboratory Corporation of America, LabCorp
Classification: Likely benign. Last evaluated: 2026-04-01. Review status: criteria provided, single submitter. Criteria: LabCorp Variant Classification Summary - May 2015. Collection method: clinical testing. Allele origin: germline. Not counted in ClinVar's aggregate classification.
Comment: Variant summary: BRCA1 c.2597G>A (p.Arg866His) results in a non-conservative amino acid change in the encoded protein sequence. Algorithms developed to predict the effect of missense changes on protein structure and function all suggest that this variant is likely to be disruptive. The variant allele was found at a frequency of 2e-05 in 1613622 control chromosomes (gnomAD), including multiple occurrences in healthy individuals above the age of 50. c.2597G>A has been reported in the literature in individuals affected with breast and/or ovarian cancer without strong evidence for causality (e.g. Meyer_2003, Anczukow_2008, Cunningham_2014, Kluska_2015, Yildiz Tacar_2020, Combrink_2021, Guindalini_2022, Van der Merwe_2022) and also in a healthy control individual in a cohort of Asian individuals with and without breast cancer (Wen_2017). These reports do not provide unequivocal conclusions about association of the variant with Hereditary Breast And Ovarian Cancer Syndrome. A study performing a multifactorial likelihood analysis based on collected research and clinical data has classified the variant as benign (Parsons_2019). The following publications have been ascertained in the context of this evaluation (PMID: 18273839, 34218100, 24504028, 35264596, 25948282, 12938098, 31112341, 15385441, 35464868, 28993434, 32846166). ClinVar contains an entry for this variant (Variation ID: 54613), including a benign classification from an ENIGMA expert panel. Based on the evidence outlined above, the variant was classified as likely benign.

Labcorp Genetics (formerly Invitae), Labcorp
Classification: Likely benign for Hereditary breast ovarian cancer syndrome. Last evaluated: 2026-01-01. Review status: criteria provided, single submitter. Criteria: Invitae Variant Classification Sherloc (09022015). Collection method: clinical testing. Allele origin: germline. Not counted in ClinVar's aggregate classification.

CeGaT Center for Human Genetics Tuebingen
Classification: Likely benign. Last evaluated: 2025-10-01. Review status: criteria provided, single submitter. Criteria: CeGaT Center For Human Genetics Tuebingen Variant Classification Criteria Version 2. Collection method: clinical testing. Allele origin: germline. Affected: yes. Observed: 1 variant allele. Not counted in ClinVar's aggregate classification.
Comment: BRCA1: BP2, BS3:Supporting

Color Diagnostics, LLC DBA Color Health
Classification: Likely benign for Hereditary cancer-predisposing syndrome. Last evaluated: 2025-09-12. Review status: criteria provided, single submitter. Criteria: ACMG Guidelines, 2015. Collection method: clinical testing. Allele origin: germline. Not counted in ClinVar's aggregate classification.

Ambry Genetics
Classification: Uncertain significance for Hereditary cancer-predisposing syndrome. Last evaluated: 2025-08-07. Review status: criteria provided, single submitter. Criteria: Ambry Variant Classification Scheme 2023. Collection method: clinical testing. Allele origin: germline. Not counted in ClinVar's aggregate classification.
Comment: The p.R866H variant (also known as c.2597G>A), located in coding exon 9 of the BRCA1 gene, results from a G to A substitution at nucleotide position 2597. The arginine at codon 866 is replaced by histidine, an amino acid with highly similar properties. This variant has been identified in multiple individuals diagnosed with breast and/or ovarian cancer (Cunningham JM et al. Sci Rep, 2014 Feb;4:4026; Kluska A et al. BMC Med Genomics, 2015 May;8:19; Guindalini RSC et al. Sci Rep, 2022 Mar;12:4190; Van der Merwe NC et al. Front Genet, 2022 Apr;13:834265). However, it has been detected in 0/2575 unselected patients with breast cancer and in 1/2809 healthy control individuals from a Malaysian cohort (Wen WX et al. J. Med. Genet. 2018 Feb;55(2):97-103). This variant was tested in a minigene assay and showed normal splicing (Anczuk&oacute;w O et al. Genes Chromosomes Cancer, 2008 May;47:418-26). This amino acid position is highly conserved in available vertebrate species. In addition, this alteration is predicted to be deleterious by in silico analysis. Based on the available evidence, the clinical significance of this variant remains unclear.

Center for Genomic Medicine, Rigshospitalet, Copenhagen University Hospital
Classification: Benign. Last evaluated: 2025-03-04. Review status: criteria provided, single submitter. Criteria: ACMG Guidelines, 2015. Collection method: clinical testing. Allele origin: germline. Not counted in ClinVar's aggregate classification.

All of Us Research Program, National Institutes of Health
Classification: Uncertain significance for Breast-ovarian cancer, familial, susceptibility to, 1. Last evaluated: 2023-12-01. Review status: criteria provided, single submitter. Criteria: ACMG Guidelines, 2015. Collection method: clinical testing. Allele origin: germline. Inheritance: Autosomal dominant inheritance. Observed: 6 variant alleles, 6 heterozygotes. Not counted in ClinVar's aggregate classification.
Comment: This missense variant replaces arginine with histidine at codon 866 of the BRCA1 protein. Computational prediction suggests that this variant may have deleterious impact on protein structure and function (internally defined REVEL score threshold >= 0.7, PMID: 27666373). To our knowledge, functional studies have not been reported for this variant. This variant has been reported in individuals and families affected with breast cancer (PMID: 18273839, 25948282, 32846166, 34218100), an individual affected with ovarian cancer (PMID: 24504028) and in a breast cancer case-control meta-analysis in 4/60466 cases and 5/53461 unaffected individuals (PMID: 33471991; Leiden Open Variation Database DB-ID BRCA1_001643). A multifactorial analysis has reported likelihood ratios for pathogenicity of 1.1768 and 0.0239 based on co-occurrence and family history, respectively (PMID: 31131967). This variant has been identified in 5/282454 chromosomes in the general population by the Genome Aggregation Database (gnomAD). The available evidence is insufficient to determine the role of this variant in disease conclusively. Therefore, this variant is classified as a Variant of Uncertain Significance.

This study involves interpretation of variants in research participants for the purpose of population health screening. Participant phenotype was not available at the time of variant classification. Additional details can be found in publication PMID: 35346344, PMCID: PMC8962531

Mendelics
Classification: Benign for Hereditary breast ovarian cancer syndrome. Last evaluated: 2023-08-22. Review status: criteria provided, single submitter. Criteria: Mendelics Assertion Criteria 2019. Collection method: clinical testing. Allele origin: germline. Not counted in ClinVar's aggregate classification.

GeneDx
Classification: Uncertain significance. Last evaluated: 2023-07-26. Review status: criteria provided, single submitter. Criteria: GeneDx Variant Classification Process June 2021. Collection method: clinical testing. Allele origin: germline. Affected: yes. Not counted in ClinVar's aggregate classification.
Comment: Observed in individuals with a personal and/or family history of breast and/or ovarian cancer (Anczukow et al., 2008; Cunningham et al., 2014; Kluska et al., 2015; Van der Merwe et al., 2022; Guindalini et al., 2022); Not observed at significant frequency in large population cohorts (gnomAD); In silico analysis supports that this missense variant has a deleterious effect on protein structure/function; Also known as 2716G>A; This variant is associated with the following publications: (PMID: 25948282, 15385441, 23893897, 25348012, 20104584, 12938098, 25528188, 18273839, 24504028, 28993434, 32846166, 34218100, 35464868, 33087888, 31131967, 15343273, 35264596)

NM_007294.4(BRCA1):c.2597G>A (p.Arg866His)

Gene: BRCA1 (BRCA1 DNA repair associated; minus strand). Cytogenetic location: 17q21.31.
Variant type: single nucleotide variant.
Coding change: c.2597G>A on transcript NM_007294.4 (MANE Select); coding-DNA position 2597, G replaced by A.
Protein change: p.Arg866His; replaces arginine 866 with histidine.
Molecular consequence: missense variant. On other transcripts: intron variant (137).
Genome position (GRCh38, 1-based): chr17:43,092,934, C>T on the plus strand (G>A on the coding strand, the complement: BRCA1 is on the minus strand). VCF-style: chr17-43092934-C-T. GRCh37 (hg19) VCF-style: chr17-41244951-C-T.
Other names: NP_009225.1:p.Arg866His; 2716G>A; c.2597G>A, p.Arg866His (NM_001407594.1, NM_001407596.1, NM_001407597.1 and 30 more transcripts); c.2594G>A, p.Arg865His (NM_001407610.1, NM_001407611.1, NM_001407627.1 and 22 more transcripts); c.2588G>A, p.Arg863His (NM_001407646.1, NM_001407647.1); c.2474G>A, p.Arg825His (NM_001407648.1, NM_001407664.1, NM_001407665.1 and 19 more transcripts); c.2471G>A, p.Arg824His (NM_001407649.1, NM_001407670.1, NM_001407671.1 and 11 more transcripts); c.2519G>A, p.Arg840His (NM_001407663.1, NM_001407653.1, NM_001407654.1 and 4 more transcripts); and 43 more; short protein forms R866H, R819H, R738H, R755H, R795H, R824H, R839H, R863H.
Identifiers: ClinVar variation 54613 (VCV000054613.66), dbSNP rs80356911, ClinGen allele CA001709.